The following is an entry in ClinVar:

NM_006469.5(IVNS1ABP):c.208A>G (p.Ile70Val)

Gene: IVNS1ABP (influenza virus NS1A binding protein; minus strand). Cytogenetic location: 1q25.3.
Variant type: single nucleotide variant.
Coding change: c.208A>G on transcript NM_006469.5 (MANE Select); coding-DNA position 208, A replaced by G.
Protein change: p.Ile70Val; replaces isoleucine 70 with valine.
Molecular consequence: missense variant.
Genome position (GRCh38, 1-based): chr1:185,309,076, T>C on the plus strand (A>G on the coding strand, the complement: IVNS1ABP is on the minus strand). VCF-style: chr1-185309076-T-C. GRCh37 (hg19) VCF-style: chr1-185278208-T-C.
Other names: short protein forms I70V.
Identifiers: ClinVar variation 4983958 (VCV004983958.1).
Genomic context (GRCh38, chr1:185,309,076, plus strand): 5'-CATAATTCAACAAGACTTCAACAGCTTCTGGATTGAGATCATCAAATTTAACGTGAGAAA[T>C]TCCATGAGGATCACTATCACTATTAAAGATTTCAAATAAATAGGGACTGCAGCAAGCTAG-3'
Protein context (NP_006460.2, residues 60-80): IFNSDSDPHG[Ile70Val]SHVKFDDLNP

ClinVar aggregate classification (germline): Uncertain significance (1 of 4 stars; one submission).

Conditions:
IVNS1ABP-related disorder. Also called: IVNS1ABP-related condition.

Submission:

PreventionGenetics, part of Exact Sciences
Classification: Uncertain significance for IVNS1ABP-related condition. Last evaluated: 2025-02-12. Review status: criteria provided, single submitter. Criteria: ACMG Guidelines, 2015. Collection method: clinical testing. Allele origin: germline.
Comment: The IVNS1ABP c.208A>G variant is predicted to result in the amino acid substitution p.Ile70Val. To our knowledge, this variant has not been reported in the literature or in a large population database (gnomAD), indicating this variant is rare. At this time, the clinical significance of this variant is uncertain due to the absence of conclusive functional and genetic evidence.